The following is an entry in ClinVar:

NM_021098.3(CACNA1H):c.1763G>C (p.Arg588Thr)

Gene: CACNA1H (calcium voltage-gated channel subunit alpha1 H; plus strand). Cytogenetic location: 16p13.3.
Variant type: single nucleotide variant.
Coding change: c.1763G>C on transcript NM_021098.3 (MANE Select); coding-DNA position 1763, G replaced by C.
Protein change: p.Arg588Thr; replaces arginine 588 with threonine.
Molecular consequence: missense variant.
Genome position (GRCh38, 1-based): chr16:1,202,213, G>C. VCF-style: chr16-1202213-G-C. GRCh37 (hg19) VCF-style: chr16-1252213-G-C.
Other names: c.1763G>C, p.Arg588Thr (NM_001005407.2); short protein forms R588T.
Identifiers: ClinVar variation 1359780 (VCV001359780.8), dbSNP rs1439734393, ClinGen allele CA394162310.

ClinVar aggregate classification (germline): Uncertain significance (1 of 4 stars; one submission).

Conditions:
Idiopathic generalized epilepsy. Also called: Generalised epilepsy; EIG. Identifiers: MedGen C0270850, MONDO:0005579, OMIM 600669.
Hyperaldosteronism, familial, type IV (HALD4). Also called: FH IV; ALDOSTERONISM, PRIMARY, AND HYPERTENSION. Identifiers: Orphanet 642671, MedGen C4310756, MONDO:0014875, OMIM 617027.

Submission:

Labcorp Genetics (formerly Invitae), Labcorp
Classification: Uncertain significance for Idiopathic generalized epilepsy; Hyperaldosteronism, familial, type IV. Last evaluated: 2020-12-24. Review status: criteria provided, single submitter. Criteria: Invitae Variant Classification Sherloc (09022015). Collection method: clinical testing. Allele origin: germline.
Comment: In summary, the available evidence is currently insufficient to determine the role of this variant in disease. Therefore, it has been classified as a Variant of Uncertain Significance. Advanced modeling of protein sequence and biophysical properties (such as structural, functional, and spatial information, amino acid conservation, physicochemical variation, residue mobility, and thermodynamic stability) performed at Invitae indicates that this missense variant is not expected to disrupt CACNA1H protein function. This variant has not been reported in the literature in individuals with CACNA1H-related conditions. The frequency data for this variant in the population databases is considered unreliable, as metrics indicate insufficient coverage at this position in the ExAC database. This sequence change replaces arginine with threonine at codon 588 of the CACNA1H protein (p.Arg588Thr). The arginine residue is weakly conserved and there is a moderate physicochemical difference between arginine and threonine.